The following is an entry in ClinVar:

ClinVar aggregate classification (germline): Uncertain significance (1 of 4 stars; one submission).

Conditions:
Hereditary cancer-predisposing syndrome. Also called: Neoplastic Syndromes, Hereditary; Hereditary neoplastic syndrome; Tumor predisposition; Hereditary Cancer Syndrome. Identifiers: Orphanet 140162, MedGen C0027672, MeSH D009386, MONDO:0015356.

Submission:

Ambry Genetics
Classification: Uncertain significance for Hereditary cancer-predisposing syndrome. Last evaluated: 2022-11-01. Review status: criteria provided, single submitter. Criteria: Ambry Variant Classification Scheme 2023. Collection method: clinical testing. Allele origin: germline.
Comment: The p.E731V variant (also known as c.2192A>T), located in coding exon 15 of the TSC1 gene, results from an A to T substitution at nucleotide position 2192. The glutamic acid at codon 731 is replaced by valine, an amino acid with dissimilar properties. This amino acid position is highly conserved in available vertebrate species. In silico splice site analysis predicts that this alteration will result in the creation or strengthening of a novel splice donor site. RNA studies have demonstrated that this alteration results in a transcript predicted to lead to a protein with an in-frame deletion of six amino acids; however, the exact functional impact of the deleted amino acids is unknown at this time (Ambry internal data). In addition, this missense alteration is predicted to be deleterious by in silico analysis. Since supporting evidence is limited at this time, the clinical significance of this alteration remains unclear.

NM_000368.5(TSC1):c.2192A>T (p.Glu731Val)

Gene: TSC1 (TSC complex subunit 1; minus strand). Cytogenetic location: 9q34.13.
Variant type: single nucleotide variant.
Coding change: c.2192A>T on transcript NM_000368.5 (MANE Select); coding-DNA position 2192, A replaced by T.
Protein change: p.Glu731Val; replaces glutamic acid 731 with valine.
Molecular consequence: missense variant. On other transcripts: non-coding transcript variant (4).
Genome position (GRCh38, 1-based): chr9:132,903,667, T>A on the plus strand (A>T on the coding strand, the complement: TSC1 is on the minus strand). VCF-style: chr9-132903667-T-A. GRCh37 (hg19) VCF-style: chr9-135779054-T-A.
Other names: c.2189A>T, p.Glu730Val (NM_001162426.2, NM_001406597.1, NM_001406598.1 and 4 more transcripts); c.2039A>T, p.Glu680Val (NM_001162427.2, NM_001406610.1); c.1829A>T, p.Glu610Val (NM_001362177.2, NM_001406614.1, NM_001406615.1 and 5 more transcripts); c.2192A>T, p.Glu731Val (NM_001406592.1, NM_001406593.1, NM_001406594.1 and 5 more transcripts); c.2177A>T, p.Glu726Val (NM_001406601.1, NM_001406602.1); c.2174A>T, p.Glu725Val (NM_001406603.1, NM_001406604.1); c.2036A>T, p.Glu679Val (NM_001406611.1, NM_001406612.1, NM_001406613.1); c.1826A>T, p.Glu609Val (NM_001406620.1, NM_001406621.1, NM_001406622.1 and 2 more transcripts); and 3 more; short protein forms E414V, E413V, E725V, E380V, E609V, E726V, E610V, E679V.
Identifiers: ClinVar variation 2496830 (VCV002496830.2), dbSNP rs2538646096, ClinGen allele CA375360646.